The following is an entry in ClinVar:

NM_019040.5(ELP4):c.541G>A (p.Gly181Ser)

Gene: ELP4 (elongator acetyltransferase complex subunit 4; plus strand). Cytogenetic location: 11p13.
Variant type: single nucleotide variant.
Coding change: c.541G>A on transcript NM_019040.5 (MANE Select); coding-DNA position 541, G replaced by A.
Protein change: p.Gly181Ser; replaces glycine 181 with serine.
Molecular consequence: missense variant.
Genome position (GRCh38, 1-based): chr11:31,603,795, G>A. VCF-style: chr11-31603795-G-A. GRCh37 (hg19) VCF-style: chr11-31625342-G-A.
Other names: c.544G>A, p.Gly182Ser (NM_001288725.2); c.541G>A, p.Gly181Ser (NM_001288726.2); short protein forms G181S, G182S.
Identifiers: ClinVar variation 2985438 (VCV002985438.3), dbSNP rs1278665622, ClinGen allele CA380097225.
Genomic context (GRCh38, chr11:31,603,795, plus strand): 5'-GTTTAACAACCACTATGGGGTTTATTTTAGCAGATTGGACCAGTATCATCTTCAAGATTT[G>A]GTCACTATTATGATGCATCAAAAAGAATGCCACAAGAACTAATTGAGGCTTCAAATTGGC-3'
Protein context (NP_061913.3, residues 171-191): EIGPVSSSRF[Gly181Ser]HYYDASKRMP

ClinVar aggregate classification (germline): Uncertain significance (1 of 4 stars; one submission).

gnomAD v4.1: 8 of 1,608,232 alleles (0.0005%); highest among the groups gnomAD compares: East Asian, 0.0067%; no homozygotes.

Submission:

Labcorp Genetics (formerly Invitae), Labcorp
Classification: Uncertain significance. Last evaluated: 2023-10-26. Review status: criteria provided, single submitter. Criteria: Invitae Variant Classification Sherloc (09022015). Collection method: clinical testing. Allele origin: germline.
Comment: This sequence change replaces glycine, which is neutral and non-polar, with serine, which is neutral and polar, at codon 181 of the ELP4 protein (p.Gly181Ser). This variant is present in population databases (no rsID available, gnomAD 0.01%). This variant has not been reported in the literature in individuals affected with ELP4-related conditions. An algorithm developed to predict the effect of missense changes on protein structure and function (PolyPhen-2) suggests that this variant is likely to be disruptive. In summary, the available evidence is currently insufficient to determine the role of this variant in disease. Therefore, it has been classified as a Variant of Uncertain Significance.